The following is an entry in ClinVar:

ClinVar aggregate classification (germline): Pathogenic (1 of 4 stars; one submission).

Conditions:
Familial adenomatous polyposis 1 (FAP1). Also called: FAMILIAL ADENOMATOUS POLYPOSIS 1, ATTENUATED; POLYPOSIS, ADENOMATOUS INTESTINAL. Identifiers: MedGen C2713442, MONDO:0021056, OMIM 175100. Disease mechanism: loss of function.

Submission:

Myriad Genetics, Inc.
Classification: Pathogenic for Familial adenomatous polyposis 1. Last evaluated: 2023-05-09. Review status: criteria provided, single submitter. Criteria: Myriad Autosomal Dominant, Autosomal Recessive and X-Linked Classification Criteria (2023). Collection method: clinical testing. Allele origin: unknown.
Comment: This variant is considered pathogenic. This variant creates a frameshift predicted to result in premature protein truncation.

NM_000038.6(APC):c.3708dup (p.Gln1237fs)

Gene: APC (APC regulator of Wnt signaling pathway; plus strand). Cytogenetic location: 5q22.2.
Variant type: Duplication.
Coding change: c.3708dup on transcript NM_000038.6 (MANE Select); coding-DNA position 3708, one base duplicated (A; older notation c.3708dupA).
Protein change: p.Gln1237fs; shifts the reading frame from glutamine 1237.
Molecular consequence: frameshift variant. On other transcripts: non-coding transcript variant (2).
Genome position (GRCh38, 1-based): chr5:112,839,302, A duplicated. VCF-style (leftmost placement, unchanged base first): chr5-112839301-C-CA. GRCh37 (hg19) VCF-style: chr5-112174998-C-CA.
Other names: c.3708dup, p.Gln1237fs (NM_001127510.3, NM_001354895.2, NM_001407450.1); c.3654dup, p.Gln1219fs (NM_001127511.3); c.3762dup, p.Gln1255fs (NM_001354896.2, NM_001407447.1, NM_001407448.1 and 1 more transcripts); c.3738dup, p.Gln1247fs (NM_001354897.2); c.3633dup, p.Gln1212fs (NM_001354898.2); c.3624dup, p.Gln1209fs (NM_001354899.2); c.3585dup, p.Gln1196fs (NM_001354900.2); c.3531dup, p.Gln1178fs (NM_001354901.2, NM_001407453.1); and 11 more; short protein forms Q1077fs, Q1108fs, Q1111fs, Q1136fs, Q1146fs, Q1154fs, Q1178fs, Q1196fs.
Identifiers: ClinVar variation 2584168 (VCV002584168.1), dbSNP rs2533518252, ClinGen allele CA2582341531.